The following is an entry in ClinVar:

ClinVar aggregate classification (germline): Uncertain significance. Review status: criteria provided, multiple submitters, no conflicts (2 of 4 stars). 2 submissions from 2 submitters: Uncertain significance (2). Last evaluated 2023-09-30.

Conditions:
Cohen syndrome (COH1). Also called: Cutis verticis gyrata, retinitis pigmentosa, and sensorineural deafness; PEPPER SYNDROME. Identifiers: Orphanet 193, MedGen C0265223, MONDO:0008999, OMIM 216550.

Allele frequency attached by ClinVar (database versions not stated): TOPMed 0.00004; gnomAD 0.00007 and 0.00006; gnomAD exomes 0.00001 and below 0.00001; ExAC 0.00001.
gnomAD v4.1: 11 of 1,614,180 alleles (0.00068%); highest among the groups gnomAD compares: African/African-American, 0.015%; no homozygotes.

Submissions (2):

Labcorp Genetics (formerly Invitae), Labcorp
Classification: Uncertain significance for Cohen syndrome. Last evaluated: 2023-09-30. Review status: criteria provided, single submitter. Criteria: Invitae Variant Classification Sherloc (09022015). Collection method: clinical testing. Allele origin: germline.
Comment: This sequence change replaces tyrosine, which is neutral and polar, with cysteine, which is neutral and slightly polar, at codon 359 of the VPS13B protein (p.Tyr359Cys). This variant is present in population databases (rs727504216, gnomAD 0.01%). This variant has not been reported in the literature in individuals affected with VPS13B-related conditions. ClinVar contains an entry for this variant (Variation ID: 167828). Advanced modeling of protein sequence and biophysical properties (such as structural, functional, and spatial information, amino acid conservation, physicochemical variation, residue mobility, and thermodynamic stability) has been performed at Invitae for this missense variant, however the output from this modeling did not meet the statistical confidence thresholds required to predict the impact of this variant on VPS13B protein function. In summary, the available evidence is currently insufficient to determine the role of this variant in disease. Therefore, it has been classified as a Variant of Uncertain Significance.

Eurofins Ntd Llc (ga)
Classification: Uncertain significance. Last evaluated: 2014-01-15. Review status: criteria provided, single submitter. Criteria: EGL Classification Definitions 2015. Collection method: clinical testing. Allele origin: germline. Observed: 1 variant allele, 1 heterozygote.

NM_152564.5(VPS13B):c.1076A>G (p.Tyr359Cys)

Gene: VPS13B (vacuolar protein sorting 13 homolog B; plus strand). Cytogenetic location: 8q22.2.
Variant type: single nucleotide variant.
Coding change: c.1076A>G on transcript NM_152564.5 (MANE Select); coding-DNA position 1076, A replaced by G.
Protein change: p.Tyr359Cys; replaces tyrosine 359 with cysteine.
Molecular consequence: missense variant. On other transcripts: non-coding transcript variant (1).
Genome position (GRCh38, 1-based): chr8:99,121,315, A>G. VCF-style: chr8-99121315-A-G. GRCh37 (hg19) VCF-style: chr8-100133543-A-G.
Other names: c.1076A>G, p.Tyr359Cys (NM_015243.3, NM_017890.5, NM_181661.3); short protein forms Y359C.
Identifiers: ClinVar variation 167828 (VCV000167828.10), dbSNP rs727504216, ClinGen allele CA235203.